The following is an entry in ClinVar:

ClinVar aggregate classification (germline): Uncertain significance. Review status: criteria provided, multiple submitters, no conflicts (2 of 4 stars). 2 submissions from 2 submitters: Uncertain significance (2). Last evaluated 2022-05-29.

Conditions:
Intellectual developmental disorder, autosomal dominant 1. Also called: Intellectual disability, autosomal dominant 1; MBD5 Haploinsufficiency. Identifiers: Orphanet 228402, MedGen C1969562, MONDO:0007974, OMIM 156200.

Allele frequency attached by ClinVar (database versions not stated): gnomAD exomes below 0.00001.
gnomAD v4.1: 1 of 1,614,168 alleles (0.000062%); highest among the groups gnomAD compares: Non-Finnish European, 0.000085%; no homozygotes.

Submissions (2):

Labcorp Genetics (formerly Invitae), Labcorp
Classification: Uncertain significance for Intellectual developmental disorder, autosomal dominant 1. Last evaluated: 2022-05-29. Review status: criteria provided, single submitter. Criteria: Invitae Variant Classification Sherloc (09022015). Collection method: clinical testing. Allele origin: germline.
Comment: This variant has not been reported in the literature in individuals affected with MBD5-related conditions. This variant is not present in population databases (gnomAD no frequency). This sequence change replaces threonine, which is neutral and polar, with isoleucine, which is neutral and non-polar, at codon 1034 of the MBD5 protein (p.Thr1034Ile). ClinVar contains an entry for this variant (Variation ID: 851563). In summary, the available evidence is currently insufficient to determine the role of this variant in disease. Therefore, it has been classified as a Variant of Uncertain Significance. Algorithms developed to predict the effect of missense changes on protein structure and function are either unavailable or do not agree on the potential impact of this missense change (SIFT: "Deleterious"; PolyPhen-2: "Not Available"; Align-GVGD: "Class C15").

Victorian Clinical Genetics Services, Murdoch Childrens Research Institute
Classification: Uncertain significance for Intellectual developmental disorder, autosomal dominant 1. Last evaluated: 2020-05-25. Review status: criteria provided, single submitter. Criteria: ACMG Guidelines, 2015. Collection method: clinical testing. Allele origin: germline. Inheritance: Autosomal dominant inheritance. Affected: yes.
Comment: Based on the classification scheme VCGS_Germline_v1.1.1, this variant is classified as VUS – 3C. Following criteria are met: 0102 - Loss-of-function is a known mechanism of disease for this gene. (N) 0107 - This gene is known to be associated with autosomal dominant disease. (N) 0112 - Variants in this gene are known to have reduced penetrance (PMID: 23422940). (N) 0200 - Variant is predicted to result in a missense amino acid change from threonine to isoleucine (exon 12). (N) 0251 - Variant is heterozygous. (N) 0301 - Variant is absent from gnomAD. (P) 0309 - An alternative amino acid change at the same position has been observed in gnomAD (2 heterozygotes, 0 homozygotes). (N) 0503 - Missense variant consistently predicted to be tolerated or not conserved in mammals with a minor amino acid change. (B) 0604 - Variant is not located in an established domain, motif, hotspot or informative constraint region. (N) 0705 - No comparable variants have previous evidence for pathogenicity. (N) 0807 - Variant has not previously been reported in a clinical context. (N) 0905 - No segregation evidence has been identified for this variant. (N) 1007 - No published functional evidence has been identified for this variant. (N) 1208 - Inheritance information for this variant is not currently available. (N) Legend: (P) - Pathogenic, (N) - Neutral, (B) - Benign

Literature cited by the submitters: PubMed 23422940 (cited by Victorian Clinical Genetics Services, Murdoch Childrens Research Institute).

NM_001378120.1(MBD5):c.3800C>T (p.Thr1267Ile)

Gene: MBD5 (methyl-CpG binding domain protein 5; plus strand). Cytogenetic location: 2q23.1.
Variant type: single nucleotide variant.
Coding change: c.3800C>T on transcript NM_001378120.1 (MANE Select); coding-DNA position 3800, C replaced by T.
Protein change: p.Thr1267Ile; replaces threonine 1267 with isoleucine.
Molecular consequence: missense variant.
Genome position (GRCh38, 1-based): chr2:148,489,432, C>T. VCF-style: chr2-148489432-C-T. GRCh37 (hg19) VCF-style: chr2-149247001-C-T.
Other names: c.3101C>T, p.Thr1034Ile (NM_018328.5); short protein forms T1034I, T1267I.
Identifiers: ClinVar variation 851563 (VCV000851563.12), dbSNP rs1681444814, ClinGen allele CA348725026.